The following is an entry in ClinVar:

ClinVar aggregate classification (germline): Uncertain significance (1 of 4 stars; one submission).

Allele frequency attached by ClinVar (database versions not stated): TOPMed below 0.00001.

Submission:

Labcorp Genetics (formerly Invitae), Labcorp
Classification: Uncertain significance. Last evaluated: 2023-08-28. Review status: criteria provided, single submitter. Criteria: Invitae Variant Classification Sherloc (09022015). Collection method: clinical testing. Allele origin: germline.
Comment: This sequence change replaces isoleucine, which is neutral and non-polar, with valine, which is neutral and non-polar, at codon 516 of the ITGA6 protein (p.Ile516Val). This variant is not present in population databases (gnomAD no frequency). This variant has not been reported in the literature in individuals affected with ITGA6-related conditions. ClinVar contains an entry for this variant (Variation ID: 2009720). Algorithms developed to predict the effect of missense changes on protein structure and function output the following: SIFT: "Not Available"; PolyPhen-2: "Benign"; Align-GVGD: "Not Available". The valine amino acid residue is found in multiple mammalian species, which suggests that this missense change does not adversely affect protein function. Algorithms developed to predict the effect of sequence changes on RNA splicing suggest that this variant may disrupt the consensus splice site. In summary, the available evidence is currently insufficient to determine the role of this variant in disease. Therefore, it has been classified as a Variant of Uncertain Significance.

NM_000210.4(ITGA6):c.1546A>G (p.Ile516Val)

Genes: PDK1-AS1 (PDK1 and ITGA6 antisense RNA 1; minus strand), ITGA6 (integrin subunit alpha 6; plus strand). Cytogenetic location: 2q31.1.
Variant type: single nucleotide variant.
Coding change: c.1546A>G on transcript NM_000210.4 (MANE Select); coding-DNA position 1546, A replaced by G.
Protein change: p.Ile516Val; replaces isoleucine 516 with valine.
Molecular consequence: missense variant.
Genome position (GRCh38, 1-based): chr2:172,480,048, A>G. VCF-style: chr2-172480048-A-G. GRCh37 (hg19) VCF-style: chr2-173344776-A-G.
Other names: c.1546A>G, p.Ile516Val (NM_001079818.3, NM_001365529.2, NM_001365530.2); c.1189A>G, p.Ile397Val (NM_001316306.2); c.1663A>G, p.Ile555Val (NM_001394928.1); short protein forms I397V, I516V, I555V.
Identifiers: ClinVar variation 2009720 (VCV002009720.4), dbSNP rs1686365005, ClinGen allele CA349311653.